The following is an entry in ClinVar:

ClinVar aggregate classification (germline): Uncertain significance (1 of 4 stars; one submission).

Conditions:
Holoprosencephaly 3 (HPE3). Identifiers: Orphanet 2162, MedGen C1840529, MONDO:0007733, OMIM 142945.

Submission:

Labcorp Genetics (formerly Invitae), Labcorp
Classification: Uncertain significance for Holoprosencephaly 3. Last evaluated: 2022-08-21. Review status: criteria provided, single submitter. Criteria: Invitae Variant Classification Sherloc (09022015). Collection method: clinical testing. Allele origin: germline.
Comment: In summary, the available evidence is currently insufficient to determine the role of this variant in disease. Therefore, it has been classified as a Variant of Uncertain Significance. Experimental studies and prediction algorithms are not available or were not evaluated, and the functional significance of this variant is currently unknown. This variant has not been reported in the literature in individuals affected with SHH-related conditions. This variant is not present in population databases (gnomAD no frequency). This variant occurs in a non-coding region of the SHH gene. It does not change the encoded amino acid sequence of the SHH protein.

NC_000007.14:g.156796040T>C

Genes: LMBR1 (limb development membrane protein 1; minus strand), SHH (sonic hedgehog signaling molecule; minus strand). Cytogenetic location: 7q36.3.
Variant type: single nucleotide variant.
Molecular consequence: intron variant (on NM_022458.4).
Genome position: GRCh38 VCF-style: chr7-156796040-T-C. GRCh37 (hg19) VCF-style: chr7-156588734-T-C.
Other names: c.360+349A>G (NM_001363412.2); c.144+349A>G (NM_001350954.2); c.423+349A>G (NM_001363410.2, NM_022458.4, NM_001363409.2 and 1 more transcripts); c.-112+349A>G (NM_001350958.2, NM_001350956.2, NM_001350955.2 and 1 more transcripts); c.54+349A>G (NM_001350957.2, NM_001363411.2).
Identifiers: ClinVar variation 2025718 (VCV002025718.4), dbSNP rs2536194578, ClinGen allele CA2580077760.